The following is an entry in ClinVar:

ClinVar aggregate classification (germline): Uncertain significance (1 of 4 stars; one submission).

Allele frequency attached by ClinVar (database versions not stated): TOPMed below 0.00001; ExAC 0.00001; gnomAD 0.00001; 1000 Genomes Project 30x 0.00016; 1000 Genomes Project 0.00020.
gnomAD v4.1: 1 of 1,614,100 alleles (0.000062%); highest among the groups gnomAD compares: African/African-American, 0.0013%; no homozygotes.

Submission:

GeneDx
Classification: Uncertain significance. Last evaluated: 2022-12-21. Review status: criteria provided, single submitter. Criteria: GeneDx Variant Classification Process June 2021. Collection method: clinical testing. Allele origin: germline. Affected: yes.
Comment: Not observed at significant frequency in large population cohorts (gnomAD); In silico analysis supports that this missense variant does not alter protein structure/function; Has not been previously published as pathogenic or benign to our knowledge

NM_182961.4(SYNE1):c.12655C>T (p.Leu4219Phe)

Gene: SYNE1 (spectrin repeat containing nuclear envelope protein 1; minus strand). Cytogenetic location: 6q25.2.
Variant type: single nucleotide variant.
Coding change: c.12655C>T on transcript NM_182961.4 (MANE Select); coding-DNA position 12655, C replaced by T.
Protein change: p.Leu4219Phe; replaces leucine 4219 with phenylalanine.
Molecular consequence: missense variant.
Genome position (GRCh38, 1-based): chr6:152,334,147, G>A on the plus strand (C>T on the coding strand, the complement: SYNE1 is on the minus strand). VCF-style: chr6-152334147-G-A. GRCh37 (hg19) VCF-style: chr6-152655282-G-A.
Other names: c.12442C>T, p.Leu4148Phe (NM_033071.5); short protein forms L4148F, L4219F.
Identifiers: ClinVar variation 2506831 (VCV002506831.1), dbSNP rs542079050, ClinGen allele CA4056345.
Genomic context (GRCh38, chr6:152,334,147, plus strand): 5'-TTCTCTGAAGATCCTCTTCCCTTTGCAAGCACAGGTTGTTAGACTGACGGCACAAATCGA[G>A]CCACTGATCATTTAAATGATTTATTTCCTTGTGTTCAGGCGATTCCTCCTTCTTTGTTAA-3'
Protein context (NP_892006.3, residues 4209-4229): KEINHLNDQW[Leu4219Phe]DLCRQSNNLC